The following is an entry in ClinVar:

ClinVar aggregate classification (germline): Uncertain significance (1 of 4 stars; one submission).

Conditions:
Hereditary cancer-predisposing syndrome. Also called: Tumor predisposition; Neoplastic Syndromes, Hereditary; Hereditary neoplastic syndrome; Hereditary Cancer Syndrome. Identifiers: Orphanet 140162, MedGen C0027672, MeSH D009386, MONDO:0015356.

Submission:

Ambry Genetics
Classification: Uncertain significance for Hereditary cancer-predisposing syndrome. Last evaluated: 2024-10-30. Review status: criteria provided, single submitter. Criteria: Ambry Variant Classification Scheme 2023. Collection method: clinical testing. Allele origin: germline.
Comment: The p.T237K variant (also known as c.710C>A), located in coding exon 3 of the TMEM127 gene, results from a C to A substitution at nucleotide position 710. The threonine at codon 237 is replaced by lysine, an amino acid with similar properties. This amino acid position is conserved. In addition, this alteration is predicted to be deleterious by in silico analysis. Based on the available evidence, the clinical significance of this variant remains unclear.

NM_017849.4(TMEM127):c.710C>A (p.Thr237Lys)

Gene: TMEM127 (transmembrane protein 127; minus strand). Cytogenetic location: 2q11.2.
Variant type: single nucleotide variant.
Coding change: c.710C>A on transcript NM_017849.4 (MANE Select); coding-DNA position 710, C replaced by A.
Protein change: p.Thr237Lys; replaces threonine 237 with lysine.
Molecular consequence: missense variant.
Genome position (GRCh38, 1-based): chr2:96,253,815, G>T on the plus strand (C>A on the coding strand, the complement: TMEM127 is on the minus strand). VCF-style: chr2-96253815-G-T. GRCh37 (hg19) VCF-style: chr2-96919553-G-T.
Other names: c.710C>A, p.Thr237Lys (NM_001193304.3); c.458C>A, p.Thr153Lys (NM_001407282.1, NM_001407283.1); short protein forms T153K, T237K.
Identifiers: ClinVar variation 3457584 (VCV003457584.1).